The following is an entry in ClinVar:

NM_002739.5(PRKCG):c.711G>T (p.Glu237Asp)

Gene: PRKCG (protein kinase C gamma; plus strand). Cytogenetic location: 19q13.42.
Variant type: single nucleotide variant.
Coding change: c.711G>T on transcript NM_002739.5 (MANE Select); coding-DNA position 711, G replaced by T.
Protein change: p.Glu237Asp; replaces glutamic acid 237 with aspartic acid.
Molecular consequence: missense variant.
Genome position (GRCh38, 1-based): chr19:53,892,533, G>T. VCF-style: chr19-53892533-G-T. GRCh37 (hg19) VCF-style: chr19-54395787-G-T.
Other names: c.711G>T, p.Glu237Asp (NM_001316329.2); short protein forms E237D.
Identifiers: ClinVar variation 892595 (VCV000892595.4), dbSNP rs116236420, ClinGen allele CA9640379.
Genomic context (GRCh38, chr19:53,892,533, plus strand): 5'-TCGGCTCTGCACCCCATCCACCCCACCTTCCTGCAGCAACCTGAAGCCAGGGGATGTGGA[G>T]CGCCGGCTCAGCGTGGAGGTGTGGGACTGGGACCGGACCTCCCGCAACGACTTCATGGGG-3'
Protein context (NP_002730.1, residues 227-247): FVFNLKPGDV[Glu237Asp]RRLSVEVWDW

ClinVar aggregate classification (germline): Likely benign (1 of 4 stars; one submission).

Conditions:
Spinocerebellar ataxia type 14 (SCA14). Identifiers: Orphanet 98763, MedGen C1854369, MONDO:0011540, OMIM 605361.

Allele frequency attached by ClinVar (database versions not stated): gnomAD 0.00021; TOPMed 0.00021; ESP Exome Variant Server 0.00023; 1000 Genomes Project 30x 0.00031; 1000 Genomes Project 0.00040.
gnomAD v4.1: 52 of 1,612,952 alleles (0.0032%); highest among the groups gnomAD compares: African/African-American, 0.063%; no homozygotes.

Submission:

Illumina Laboratory Services, Illumina
Classification: Likely benign for Spinocerebellar ataxia type 14. Last evaluated: 2018-01-13. Review status: criteria provided, single submitter. Criteria: ICSL Variant Classification Criteria 13 December 2019. Collection method: clinical testing. Allele origin: germline.
Comment: This variant was observed in the ICSL laboratory as part of a predisposition screen in an ostensibly healthy population. It had not been previously curated by ICSL or reported in the Human Gene Mutation Database (HGMD: prior to June 1st, 2018), and was therefore a candidate for classification through an automated scoring system. Utilizing variant allele frequency, disease prevalence and penetrance estimates, and inheritance mode, an automated score was calculated to assess if this variant is too frequent to cause the disease. Based on the score and internal cut-off values, a variant classified as likely benign is not then subjected to further curation. The score for this variant resulted in a classification of likely benign for this disease.